The following is an entry in ClinVar:

NM_003060.4(SLC22A5):c.428C>A (p.Pro143Gln)

Gene: SLC22A5 (solute carrier family 22 member 5; plus strand). Cytogenetic location: 5q31.1.
Variant type: single nucleotide variant.
Coding change: c.428C>A on transcript NM_003060.4 (MANE Select); coding-DNA position 428, C replaced by A.
Protein change: p.Pro143Gln; replaces proline 143 with glutamine.
Molecular consequence: missense variant.
Genome position (GRCh38, 1-based): chr5:132,378,412, C>A. VCF-style: chr5-132378412-C-A. GRCh37 (hg19) VCF-style: chr5-131714104-C-A.
Other names: c.500C>A, p.Pro167Gln (NM_001308122.2); short protein forms P143Q, P167Q.
Identifiers: ClinVar variation 2573496 (VCV002573496.1), dbSNP rs1178584184, ClinGen allele CA360803552.
Genomic context (GRCh38, chr5:132,378,412, plus strand): 5'-ATACACCCCCTTTGCTCATCTTGCAGTGGAACCTGGTGTGTGAGGACGACTGGAAGGCCC[C>A]ACTCACAATCTCCTTGTTCTTCGTGGGTGTGCTGTTGGGCTCCTTCATTTCAGGGCAGCT-3'
Protein context (NP_003051.1, residues 133-153): NLVCEDDWKA[Pro143Gln]LTISLFFVGV

ClinVar aggregate classification (germline): Uncertain significance (1 of 4 stars; one submission).

Submission:

Women's Health and Genetics/Laboratory Corporation of America, LabCorp
Classification: Uncertain significance. Last evaluated: 2023-06-06. Review status: criteria provided, single submitter. Criteria: LabCorp Variant Classification Summary - May 2015. Collection method: clinical testing. Allele origin: germline.
Comment: Variant summary: SLC22A5 c.428C>A (p.Pro143Gln) results in a non-conservative amino acid change located in the Major facilitator superfamily domain (IPR020846) of the encoded protein sequence. Three of five in-silico tools predict a damaging effect of the variant on protein function. The variant was absent in 251496 control chromosomes (gnomAD). The available data on variant occurrences in the general population are insufficient to allow any conclusion about variant significance. To our knowledge, no occurrence of c.428C>A in individuals affected with Systemic Primary Carnitine Deficiency and no experimental evidence demonstrating its impact on protein function have been reported. However, a different missense variant affecting the same amino acid (Pro143Leu), is classified as pathogenic by our laboratory, indicating that this residue might be functionally important. No clinical diagnostic laboratories have submitted clinical-significance assessments for this variant to ClinVar after 2014. Based on the evidence outlined above, the variant was classified as uncertain significance.